The following is an entry in ClinVar:

NM_024757.5(EHMT1):c.622C>T (p.Pro208Ser)

Gene: EHMT1 (euchromatic histone lysine methyltransferase 1; plus strand). Cytogenetic location: 9q34.3.
Variant type: single nucleotide variant.
Coding change: c.622C>T on transcript NM_024757.5 (MANE Select); coding-DNA position 622, C replaced by T.
Protein change: p.Pro208Ser; replaces proline 208 with serine.
Molecular consequence: missense variant.
Genome position (GRCh38, 1-based): chr9:137,717,162, C>T. VCF-style: chr9-137717162-C-T. GRCh37 (hg19) VCF-style: chr9-140611614-C-T.
Other names: c.622C>T, p.Pro208Ser (NM_001145527.2, NM_001354263.2, NM_001354611.2); c.529C>T, p.Pro177Ser (NM_001354259.2, NM_001354612.2); short protein forms P177S, P208S.
Identifiers: ClinVar variation 2037907 (VCV002037907.4), dbSNP rs1341558786, ClinGen allele CA375766460.

ClinVar aggregate classification (germline): Uncertain significance (1 of 4 stars; one submission).

Conditions:
Kleefstra syndrome 1 (KLEFS1). Identifiers: Orphanet 261494, MedGen C0795833, MONDO:0027407, OMIM 610253.

Allele frequency attached by ClinVar (database versions not stated): gnomAD exomes below 0.00001.
gnomAD v4.1: 1 of 1,612,334 alleles (0.000062%); highest among the groups gnomAD compares: Non-Finnish European, 0.000085%; no homozygotes.

Submission:

Labcorp Genetics (formerly Invitae), Labcorp
Classification: Uncertain significance for Kleefstra syndrome 1. Last evaluated: 2022-09-13. Review status: criteria provided, single submitter. Criteria: Invitae Variant Classification Sherloc (09022015). Collection method: clinical testing. Allele origin: germline.
Comment: This sequence change replaces proline, which is neutral and non-polar, with serine, which is neutral and polar, at codon 208 of the EHMT1 protein (p.Pro208Ser). In summary, the available evidence is currently insufficient to determine the role of this variant in disease. Therefore, it has been classified as a Variant of Uncertain Significance. Advanced modeling of protein sequence and biophysical properties (such as structural, functional, and spatial information, amino acid conservation, physicochemical variation, residue mobility, and thermodynamic stability) performed at Invitae indicates that this missense variant is not expected to disrupt EHMT1 protein function. This variant has not been reported in the literature in individuals affected with EHMT1-related conditions. This variant is not present in population databases (gnomAD no frequency).